The following is an entry in ClinVar:

ClinVar aggregate classification (germline): Uncertain significance (1 of 4 stars; one submission).

Conditions:
Hereditary cancer-predisposing syndrome. Also called: Neoplastic Syndromes, Hereditary; Tumor predisposition; Hereditary neoplastic syndrome; Hereditary Cancer Syndrome. Identifiers: Orphanet 140162, MedGen C0027672, MeSH D009386, MONDO:0015356.
Cardiovascular phenotype. Identifiers: MedGen CN230736.

Submission:

Ambry Genetics
Classification: Uncertain significance for Cardiovascular phenotype; Hereditary cancer-predisposing syndrome. Last evaluated: 2024-02-20. Review status: criteria provided, single submitter. Criteria: Ambry Variant Classification Scheme 2023. Collection method: clinical testing. Allele origin: germline.
Comment: The c.3975-2694A>G intronic variant results from an A to G substitution 2694 nucleotides upstream from coding exon 30 in the NF1 gene. This nucleotide position is highly conserved in available vertebrate species. In silico splice site analysis predicts that this alteration will result in the creation or strengthening of a novel splice acceptor site; however, direct evidence is insufficient at this time (Ambry internal data). Based on the available evidence, the clinical significance of this alteration remains unclear.

NM_001042492.3(NF1):c.3975-2694A>G

Gene: NF1 (neurofibromin 1; plus strand). Cytogenetic location: 17q11.2.
Variant type: single nucleotide variant.
Coding change: c.3975-2694A>G on transcript NM_001042492.3 (MANE Select); 2694 bases into the intron before coding-DNA position 3975, A replaced by G.
Molecular consequence: intron variant.
Genome position (GRCh38, 1-based): chr17:31,246,290, A>G. VCF-style: chr17-31246290-A-G. GRCh37 (hg19) VCF-style: chr17-29573308-A-G.
Other names: c.3975-2694A>G (NM_000267.4).
Identifiers: ClinVar variation 3237761 (VCV003237761.1), dbSNP rs2508332400.